The following is an entry in ClinVar:

NM_000626.4(CD79B):c.131C>T (p.Ser44Leu)

Genes: CD79B (CD79b molecule; minus strand), GH-LCR (growth hormone locus control region; plus strand). Cytogenetic location: 17q23.3.
Variant type: single nucleotide variant.
Coding change: c.131C>T on transcript NM_000626.4 (MANE Select); coding-DNA position 131, C replaced by T.
Protein change: p.Ser44Leu; replaces serine 44 with leucine.
Molecular consequence: missense variant. On other transcripts: intron variant (2).
Genome position (GRCh38, 1-based): chr17:63,930,373, G>A on the plus strand (C>T on the coding strand, the complement: CD79B is on the minus strand). VCF-style: chr17-63930373-G-A. GRCh37 (hg19) VCF-style: chr17-62007733-G-A.
Other names: c.134C>T, p.Ser45Leu (NM_001039933.3); c.119-485C>T (NM_021602.4); c.122-485C>T (NM_001329050.2); short protein forms S44L, S45L.
Identifiers: ClinVar variation 1046774 (VCV001046774.6), dbSNP rs868652684, ClinGen allele CA292948886.

ClinVar aggregate classification (germline): Uncertain significance (1 of 4 stars; one submission).

Conditions:
Agammaglobulinemia 6, autosomal recessive (AGM6). Also called: AGAMMAGLOBULINEMIA, AUTOSOMAL RECESSIVE, DUE TO CD79B DEFECT; AGAMMAGLOBULINEMIA 6. Identifiers: MedGen C3150207, MONDO:0012987, OMIM 612692.

Allele frequency attached by ClinVar (database versions not stated): gnomAD 0.00001; gnomAD exomes 0.00001 and 0.00002; TOPMed 0.00002.
gnomAD v4.1: 14 of 1,613,454 alleles (0.00087%); highest among the groups gnomAD compares: East Asian, 0.02%; no homozygotes.

Submission:

Labcorp Genetics (formerly Invitae), Labcorp
Classification: Uncertain significance for Agammaglobulinemia 6, autosomal recessive. Last evaluated: 2022-03-13. Review status: criteria provided, single submitter. Criteria: Invitae Variant Classification Sherloc (09022015). Collection method: clinical testing. Allele origin: germline.
Comment: This sequence change replaces serine, which is neutral and polar, with leucine, which is neutral and non-polar, at codon 44 of the CD79B protein (p.Ser44Leu). This variant is present in population databases (no rsID available, gnomAD 0.02%). This variant has not been reported in the literature in individuals affected with CD79B-related conditions. ClinVar contains an entry for this variant (Variation ID: 1046774). Algorithms developed to predict the effect of missense changes on protein structure and function are either unavailable or do not agree on the potential impact of this missense change (SIFT: "Not Available"; PolyPhen-2: "Possibly Damaging"; Align-GVGD: "Not Available"). In summary, the available evidence is currently insufficient to determine the role of this variant in disease. Therefore, it has been classified as a Variant of Uncertain Significance.